The following is an entry in ClinVar:

NM_014271.4(IL1RAPL1):c.1397G>A (p.Cys466Tyr)

Gene: IL1RAPL1 (interleukin 1 receptor accessory protein like 1; plus strand). Cytogenetic location: Xp21.2.
Variant type: single nucleotide variant.
Coding change: c.1397G>A on transcript NM_014271.4 (MANE Select); coding-DNA position 1397, G replaced by A.
Protein change: p.Cys466Tyr; replaces cysteine 466 with tyrosine.
Molecular consequence: missense variant.
Genome position (GRCh38, 1-based): chrX:29,955,126, G>A. VCF-style: chrX-29955126-G-A. GRCh37 (hg19) VCF-style: chrX-29973243-G-A.
Other names: short protein forms C466Y.
Identifiers: ClinVar variation 3364059 (VCV003364059.1).

ClinVar aggregate classification (germline): Uncertain significance (1 of 4 stars; one submission).

gnomAD v4.1: 2 of 1,210,207 alleles (0.00017%); highest among the groups gnomAD compares: Non-Finnish European, 0.00022%; no homozygotes.

Submission:

GeneDx
Classification: Uncertain significance. Last evaluated: 2023-11-14. Review status: criteria provided, single submitter. Criteria: GeneDx Variant Classification Process June 2021. Collection method: clinical testing. Allele origin: germline. Affected: yes.
Comment: Not observed at significant frequency in large population cohorts (gnomAD); In silico analysis supports that this missense variant does not alter protein structure/function; Has not been previously published as pathogenic or benign to our knowledge